The following is an entry in ClinVar:

ClinVar aggregate classification (germline): Conflicting classifications of pathogenicity. Review status: criteria provided, conflicting classifications (1 of 4 stars). 5 submissions from 5 submitters: Uncertain significance (2); Likely benign (2). 1 of the submissions does not count toward it. Last evaluated 2026-06-18.

Conditions:
Inborn genetic diseases. Identifiers: MedGen C0950123, MeSH D030342.
CUL7-related disorder. Also called: CUL7-related condition.

Allele frequency attached by ClinVar (database versions not stated): gnomAD exomes 0.00009 and 0.00023; ExAC 0.00027; 1000 Genomes Project 0.00120; 1000 Genomes Project 30x 0.00141; ESP Exome Variant Server 0.00100; gnomAD 0.00108 and 0.00115; TOPMed 0.00111.
gnomAD v4.1: 296 of 1,614,140 alleles (0.018%); highest among the groups gnomAD compares: African/African-American, 0.35%; no homozygotes.

Submissions (5):

Women's Health and Genetics/Laboratory Corporation of America, LabCorp
Classification: Likely benign. Last evaluated: 2026-06-18. Review status: criteria provided, single submitter. Criteria: LabCorp Variant Classification Summary - May 2015. Collection method: clinical testing. Allele origin: germline.
Comment: Variant summary: CUL7 c.1859C>T (p.Pro620Leu) results in a non-conservative amino acid change in the encoded protein sequence. Algorithms developed to predict the effect of missense changes on protein structure and function are either unavailable or do not agree on the potential impact of this missense change. The variant allele was found at a frequency of 0.00023 in 250412 control chromosomes, predominantly at a frequency of 0.0032 within the African or African-American subpopulation in the gnomAD database. The observed variant frequency within African or African-American control individuals in the gnomAD database exceeds the estimated maximal expected allele frequency for disease-causing variants in CUL7. To our knowledge, no occurrence of c.1859C>T in individuals affected with CUL7-related conditions and no experimental evidence demonstrating its impact on protein function have been reported. ClinVar contains an entry for this variant (Variation ID: 502473). Based on the evidence outlined above, the variant was classified as likely benign.

Labcorp Genetics (formerly Invitae), Labcorp
Classification: Likely benign. Last evaluated: 2026-01-13. Review status: criteria provided, single submitter. Criteria: Invitae Variant Classification Sherloc (09022015). Collection method: clinical testing. Allele origin: germline.

Ambry Genetics
Classification: Uncertain significance for Inborn genetic diseases. Last evaluated: 2025-02-07. Review status: criteria provided, single submitter. Criteria: Ambry Variant Classification Scheme 2023. Collection method: clinical testing. Allele origin: germline.

Eurofins Ntd Llc (ga)
Classification: Uncertain significance. Last evaluated: 2017-06-19. Review status: criteria provided, single submitter. Criteria: EGL Classification Definitions 2015. Collection method: clinical testing. Allele origin: germline. Observed: 1 variant allele, 1 heterozygote.

PreventionGenetics, part of Exact Sciences
Classification: Likely benign for CUL7-related condition. Last evaluated: 2022-02-13. Review status: no assertion criteria provided. Collection method: clinical testing. Allele origin: germline. Not counted in ClinVar's aggregate classification.
Comment: This variant is classified as likely benign based on ACMG/AMP sequence variant interpretation guidelines (Richards et al. 2015 PMID: 25741868, with internal and published modifications).

NM_014780.5(CUL7):c.1859C>T (p.Pro620Leu)

Gene: CUL7 (cullin 7; minus strand). Cytogenetic location: 6p21.1.
Variant type: single nucleotide variant.
Coding change: c.1859C>T on transcript NM_014780.5 (MANE Select); coding-DNA position 1859, C replaced by T.
Protein change: p.Pro620Leu; replaces proline 620 with leucine.
Molecular consequence: missense variant.
Genome position (GRCh38, 1-based): chr6:43,048,536, G>A on the plus strand (C>T on the coding strand, the complement: CUL7 is on the minus strand). VCF-style: chr6-43048536-G-A. GRCh37 (hg19) VCF-style: chr6-43016274-G-A.
Other names: c.1955C>T, p.Pro652Leu (NM_001168370.2, NM_001374872.1); c.1859C>T, p.Pro620Leu (NM_001374873.1, NM_001374874.1); short protein forms P620L, P652L.
Identifiers: ClinVar variation 502473 (VCV000502473.20), dbSNP rs147326417, ClinGen allele CA3814048.
Genomic context (GRCh38, chr6:43,048,536, plus strand): 5'-TGCTCTAGATCCAGGAGGATTTTCCCAGCTGGACCATAACCCTCCACCAGACGCTGCAGG[G>A]GAGTGTTGGGACTCTGAGATGGGGGTTCTTTTGCTACAGGAAGGGGACAGTCACAGGAGT-3'
Protein context (NP_055595.2, residues 610-630): KEPPSQSPNT[Pro620Leu]LQRLVEGYGP